The following is an entry in ClinVar:

ClinVar aggregate classification (germline): Uncertain significance (1 of 4 stars; one submission).

gnomAD v4.1: 6 of 1,610,248 alleles (0.00037%); highest among the groups gnomAD compares: Middle Eastern, 0.017%; no homozygotes.

Submission:

GeneDx
Classification: Uncertain significance. Last evaluated: 2025-07-30. Review status: criteria provided, single submitter. Criteria: GeneDx Variant Classification Process June 2021. Collection method: clinical testing. Allele origin: germline. Affected: yes.
Comment: In silico analysis supports that this missense variant has a deleterious effect on protein structure/function; Has not been previously published as pathogenic or benign to our knowledge

NM_001330311.2(DVL1):c.1598C>T (p.Pro533Leu)

Gene: DVL1 (dishevelled segment polarity protein 1; minus strand). Cytogenetic location: 1p36.33.
Variant type: single nucleotide variant.
Coding change: c.1598C>T on transcript NM_001330311.2 (MANE Select); coding-DNA position 1598, C replaced by T.
Protein change: p.Pro533Leu; replaces proline 533 with leucine.
Molecular consequence: missense variant.
Genome position (GRCh38, 1-based): chr1:1,338,093, G>A on the plus strand (C>T on the coding strand, the complement: DVL1 is on the minus strand). VCF-style: chr1-1338093-G-A. GRCh37 (hg19) VCF-style: chr1-1273473-G-A.
Other names: c.1523C>T, p.Pro508Leu (NM_004421.3); short protein forms P508L, P533L.
Identifiers: ClinVar variation 4755918 (VCV004755918.1).